The following is an entry in ClinVar:

ClinVar aggregate classification (germline): Conflicting classifications of pathogenicity. Review status: criteria provided, conflicting classifications (1 of 4 stars). 4 submissions from 4 submitters: Uncertain significance (1); Likely benign (3). Last evaluated 2023-04-22.

Conditions:
Ehlers-Danlos syndrome, classic type, 1 (EDSCL1). Also called: Ehlers-Danlos syndrome, type 1; EHLERS-DANLOS SYNDROME, GRAVIS TYPE; EHLERS-DANLOS SYNDROME, SEVERE CLASSIC TYPE; Ehlers-Danlos Syndrome, Classic Type, COL5A1-Related; EDS I. Identifiers: MedGen C0268335, MONDO:0019567, OMIM 130000.
Familial thoracic aortic aneurysm and aortic dissection (TAAD). Also called: Thoracic aortic aneurysms and dissections. Identifiers: Orphanet 91387, MedGen C4707243, MONDO:0019625.

Allele frequency attached by ClinVar (database versions not stated): ExAC 0.00001; gnomAD 0.00001; ESP Exome Variant Server 0.00008; gnomAD exomes below 0.00001.
gnomAD v4.1: 2 of 1,613,490 alleles (0.00012%); highest among the groups gnomAD compares: Non-Finnish European, 0.00017%; no homozygotes.

Submissions (4):

Labcorp Genetics (formerly Invitae), Labcorp
Classification: Likely benign for Ehlers-Danlos syndrome, classic type, 1. Last evaluated: 2023-04-22. Review status: criteria provided, single submitter. Criteria: Invitae Variant Classification Sherloc (09022015). Collection method: clinical testing. Allele origin: germline.

GeneDx
Classification: Likely benign. Last evaluated: 2017-07-05. Review status: criteria provided, single submitter. Criteria: GeneDx Variant Classification (06012015). Collection method: clinical testing. Allele origin: germline. Affected: yes.
Comment: This variant is considered likely benign or benign based on one or more of the following criteria: it is a conservative change, it occurs at a poorly conserved position in the protein, it is predicted to be benign by multiple in silico algorithms, and/or has population frequency not consistent with disease.

Ambry Genetics
Classification: Likely benign for Familial thoracic aortic aneurysm and aortic dissection. Last evaluated: 2016-08-17. Review status: criteria provided, single submitter. Criteria: Ambry Variant Classification Scheme 2023. Collection method: clinical testing. Allele origin: germline.

Eurofins Ntd Llc (ga)
Classification: Uncertain significance. Last evaluated: 2015-10-15. Review status: criteria provided, single submitter. Criteria: EGL Classification Definitions 2015. Collection method: clinical testing. Allele origin: germline. Observed: 1 variant allele, 1 heterozygote.

NM_000093.5(COL5A1):c.1752G>A (p.Glu584=)

Gene: COL5A1 (collagen type V alpha 1 chain; plus strand). Cytogenetic location: 9q34.3.
Variant type: single nucleotide variant.
Coding change: c.1752G>A on transcript NM_000093.5 (MANE Select); coding-DNA position 1752, G replaced by A.
Protein change: p.Glu584=; no amino-acid change (glutamic acid 584 retained).
Molecular consequence: synonymous variant.
Genome position (GRCh38, 1-based): chr9:134,753,882, G>A. VCF-style: chr9-134753882-G-A. GRCh37 (hg19) VCF-style: chr9-137645728-G-A.
Other names: c.1752G>A, p.Glu584= (NM_001278074.1).
Identifiers: ClinVar variation 283794 (VCV000283794.12), dbSNP rs376865199, ClinGen allele CA5318943.